The following is an entry in ClinVar:

NM_015057.5(MYCBP2):c.4118A>G (p.Asp1373Gly)

Gene: MYCBP2 (MYC binding protein 2; minus strand). Cytogenetic location: 13q22.3.
Variant type: single nucleotide variant.
Coding change: c.4118A>G on transcript NM_015057.5 (MANE Select); coding-DNA position 4118, A replaced by G.
Protein change: p.Asp1373Gly; replaces aspartic acid 1373 with glycine.
Molecular consequence: missense variant.
Genome position (GRCh38, 1-based): chr13:77,190,288, T>C on the plus strand (A>G on the coding strand, the complement: MYCBP2 is on the minus strand). VCF-style: chr13-77190288-T-C. GRCh37 (hg19) VCF-style: chr13-77764423-T-C.
Other names: short protein forms D1373G.
Identifiers: ClinVar variation 4282410 (VCV004282410.1).

ClinVar aggregate classification (germline): Pathogenic (1 of 4 stars; one submission).

Submission:

GeneDx
Classification: Pathogenic. Last evaluated: 2025-04-11. Review status: criteria provided, single submitter. Criteria: GeneDx Variant Classification Process June 2021. Collection method: clinical testing. Allele origin: germline. Affected: yes.
Comment: Not observed at significant frequency in large population cohorts (gnomAD); In silico analysis supports that this missense variant has a deleterious effect on protein structure/function; Has not been previously published as pathogenic or benign to our knowledge